The following is an entry in ClinVar:

NC_012920.1(MT-CYB):m.15617G>C

Gene: MT-CYB (mitochondrially encoded cytochrome b; plus strand).
Variant type: single nucleotide variant.
Genome position: chrM-15617-G-C.
Identifiers: ClinVar variation 693914 (VCV000693914.1), dbSNP rs1556424625, ClinGen allele CA913174369.

ClinVar aggregate classification (germline): Uncertain significance (1 of 4 stars; one submission).

Conditions:
Leigh syndrome (NULS). Also called: Leigh's necrotizing encephalopathy; Leigh's disease; Leigh's syndrome; LEIGH SYNDROME, NUCLEAR; Leigh Syndrome (mtDNA deletion); Leigh Disease. Identifiers: Orphanet 506, MedGen C2931891, MONDO:0009723, OMIM 256000.

Submission:

Wong Mito Lab, Molecular and Human Genetics, Baylor College of Medicine
Classification: Uncertain significance for Leigh syndrome. Last evaluated: 2019-10-17. Review status: criteria provided, single submitter. Criteria: Modified ACMG Guidelines (Unpublished). Collection method: clinical testing. Allele origin: germline.
Comment: The NC_012920.1:m.15617G>C (YP_003024038.1:p.Val291Leu) variant in MTCYB gene is interpretated to be a Uncertain Significance variant based on the modified ACMG guidelines (unpublished). This variant meets the following evidence codes: PP7, BP5